The following is an entry in ClinVar:

NM_000532.5(PCCB):c.1384G>A (p.Val462Ile)

Gene: PCCB (propionyl-CoA carboxylase subunit beta; plus strand). Cytogenetic location: 3q22.3.
Variant type: single nucleotide variant.
Coding change: c.1384G>A on transcript NM_000532.5 (MANE Select); coding-DNA position 1384, G replaced by A.
Protein change: p.Val462Ile; replaces valine 462 with isoleucine.
Molecular consequence: missense variant.
Genome position (GRCh38, 1-based): chr3:136,327,718, G>A. VCF-style: chr3-136327718-G-A. GRCh37 (hg19) VCF-style: chr3-136046560-G-A.
Other names: c.1444G>A, p.Val482Ile (NM_001178014.2); short protein forms V462I, V482I.
Identifiers: ClinVar variation 203892 (VCV000203892.3), dbSNP rs796052026, ClinGen allele CA312839.

ClinVar aggregate classification (germline): Uncertain significance. Review status: criteria provided, single submitter (1 of 4 stars). 2 submissions from 2 submitters: Uncertain significance (1). 1 of the submissions does not count toward it. Last evaluated 2016-08-31.

Conditions:
Propionic acidemia (PROP). Also called: GLYCINEMIA, KETOTIC; HYPERGLYCINEMIA WITH KETOACIDOSIS AND LEUKOPENIA; KETOTIC HYPERGLYCINEMIA. Identifiers: Orphanet 35, MedGen C0268579, MONDO:0011628, OMIM 606054, HP:0003571.

Allele frequency attached by ClinVar (database versions not stated): TOPMed below 0.00001; gnomAD 0.00001; gnomAD exomes 0.00001.
gnomAD v4.1: 5 of 1,613,536 alleles (0.00031%); highest among the groups gnomAD compares: Non-Finnish European, 0.00042%; no homozygotes.

Submissions (2):

GeneDx
Classification: Uncertain significance. Last evaluated: 2016-08-31. Review status: criteria provided, single submitter. Criteria: GeneDx Variant Classification (06012015). Collection method: clinical testing. Allele origin: germline. Affected: yes.
Comment: The V462I variant in the PCCB gene has not been reported previously as a pathogenic variant, nor as a benign variant, to our knowledge. The V462I variant is not observed in large population cohorts (Lek et al., 2016; 1000 Genomes Consortium et al., 2015; Exome Variant Server). The V462I variant is a conservative amino acid substitution, which is not likely to impact secondary protein structure as these residues share similar properties. This substitution occurs at a position that is conserved across species. In silico analysis is inconsistent in its predictions as to whether or not the variant is damaging to the protein structure/function. We interpret V462I as a variant of uncertain significance.

Natera, Inc.
Classification: Uncertain significance for Propionic acidemia. Last evaluated: 2019-11-11. Review status: no assertion criteria provided. Collection method: clinical testing. Allele origin: germline. Not counted in ClinVar's aggregate classification.